The following is an entry in ClinVar:

ClinVar aggregate classification (germline): Uncertain significance (1 of 4 stars; one submission).

Submission:

Labcorp Genetics (formerly Invitae), Labcorp
Classification: Uncertain significance. Last evaluated: 2024-11-18. Review status: criteria provided, single submitter. Criteria: Invitae Variant Classification Sherloc (09022015). Collection method: clinical testing. Allele origin: germline.
Comment: This sequence change replaces alanine, which is neutral and non-polar, with threonine, which is neutral and polar, at codon 488 of the PDZD7 protein (p.Ala488Thr). This variant is not present in population databases (gnomAD no frequency). This variant has not been reported in the literature in individuals affected with PDZD7-related conditions. ClinVar contains an entry for this variant (Variation ID: 2134135). Invitae Evidence Modeling of protein sequence and biophysical properties (such as structural, functional, and spatial information, amino acid conservation, physicochemical variation, residue mobility, and thermodynamic stability) indicates that this missense variant is not expected to disrupt PDZD7 protein function with a negative predictive value of 80%. In summary, the available evidence is currently insufficient to determine the role of this variant in disease. Therefore, it has been classified as a Variant of Uncertain Significance.

NM_001195263.2(PDZD7):c.1462G>A (p.Ala488Thr)

Gene: PDZD7 (PDZ domain containing 7; minus strand). Cytogenetic location: 10q24.31.
Variant type: single nucleotide variant.
Coding change: c.1462G>A on transcript NM_001195263.2 (MANE Select); coding-DNA position 1462, G replaced by A.
Protein change: p.Ala488Thr; replaces alanine 488 with threonine.
Molecular consequence: missense variant.
Genome position (GRCh38, 1-based): chr10:101,018,159, C>T on the plus strand (G>A on the coding strand, the complement: PDZD7 is on the minus strand). VCF-style: chr10-101018159-C-T. GRCh37 (hg19) VCF-style: chr10-102777916-C-T.
Other names: c.1490G>A, p.Gly497Asp (NM_001351044.2); c.1462G>A, p.Ala488Thr (NM_024895.5); short protein forms A488T, G497D.
Identifiers: ClinVar variation 2134135 (VCV002134135.4), dbSNP rs2492868311, ClinGen allele CA378228006.